The following is an entry in ClinVar:

NM_006262.4(PRPH):c.607-1G>A

Genes: PRPH (peripherin; plus strand), TROAP-AS1 (TROAP and PRPH antisense RNA 1; minus strand). Cytogenetic location: 12q13.12.
Variant type: single nucleotide variant.
Coding change: c.607-1G>A on transcript NM_006262.4 (MANE Select); the canonical splice acceptor site of the intron before coding-DNA position 607, G replaced by A.
Molecular consequence: splice acceptor variant. On other transcripts: non-coding transcript variant (1).
Genome position (GRCh38, 1-based): chr12:49,296,431, G>A. VCF-style: chr12-49296431-G-A. GRCh37 (hg19) VCF-style: chr12-49690214-G-A.
Identifiers: ClinVar variation 1333542 (VCV001333542.3), dbSNP rs781660354, ClinGen allele CA6550892.

ClinVar aggregate classification (germline): Conflicting classifications of pathogenicity. Review status: criteria provided, conflicting classifications (1 of 4 stars). 2 submissions from 2 submitters: Likely pathogenic (1); Uncertain significance (1). Last evaluated 2026-01-30.

Conditions:
Amyotrophic lateral sclerosis type 1 (ALS1). Also called: AMYOTROPHIC LATERAL SCLEROSIS 1, FAMILIAL. Identifiers: Orphanet 803, MedGen C1862939, MONDO:0007103, OMIM 105400.

Allele frequency attached by ClinVar (database versions not stated): gnomAD 0.00001; gnomAD exomes 0.00001; TOPMed 0.00001; ExAC 0.00001.
gnomAD v4.1: 7 of 1,613,962 alleles (0.00043%); highest among the groups gnomAD compares: Admixed American, 0.0017%; no homozygotes.

Submissions (2):

Dasa
Classification: Uncertain significance. Last evaluated: 2026-01-30. Review status: criteria provided, single submitter. Criteria: DASA Assertion Criteria. Collection method: clinical testing. Allele origin: germline.
Comment: NM_006262.4(PRPH):c.607-1G>A affects a canonical splice site and is predicted to disrupt normal RNA splicing. This variant is rare in population databases. The currently available literature and clinical evidence are not sufficient to establish a definitive association between this variant and the reported condition. Therefore, this variant is classified as a variant of uncertain significance.

3billion
Classification: Likely pathogenic for Amyotrophic lateral sclerosis type 1. Last evaluated: 2022-01-03. Review status: criteria provided, single submitter. Criteria: ACMG Guidelines, 2015. Collection method: clinical testing. Allele origin: germline. Affected: yes. Observed: 1 heterozygote.
Comment: Canonical splice site: predicted to alter splicing and result in a loss or disruption of normal protein function through protein truncation. Multiple pathogenic variants are reported in the predicted truncated region (PVS1_VS). It is observed at an extremely low frequency in the gnomAD v2.1.1 dataset (total allele frequency: 0.000008, PM2_M). Therefore, this variant is classified as likely pathogenic according to the recommendation of ACMG/AMP guideline.